The following is an entry in ClinVar:

NM_014991.6(WDFY3):c.4465A>T (p.Thr1489Ser)

Gene: WDFY3 (WD repeat and FYVE domain containing 3; minus strand). Cytogenetic location: 4q21.23.
Variant type: single nucleotide variant.
Coding change: c.4465A>T on transcript NM_014991.6 (MANE Select); coding-DNA position 4465, A replaced by T.
Protein change: p.Thr1489Ser; replaces threonine 1489 with serine.
Molecular consequence: missense variant.
Genome position (GRCh38, 1-based): chr4:84,778,556, T>A on the plus strand (A>T on the coding strand, the complement: WDFY3 is on the minus strand). VCF-style: chr4-84778556-T-A. GRCh37 (hg19) VCF-style: chr4-85699709-T-A.
Other names: short protein forms T1489S.
Identifiers: ClinVar variation 3893546 (VCV003893546.2).

ClinVar aggregate classification (germline): Uncertain significance (1 of 4 stars; one submission).

gnomAD v4.1: 1 of 1,609,626 alleles (0.000062%); highest among the groups gnomAD compares: Admixed American, 0.0017%; no homozygotes.

Submission:

GeneDx
Classification: Uncertain significance. Last evaluated: 2026-03-16. Review status: criteria provided, single submitter. Criteria: GeneDx Variant Classification Process June 2021. Collection method: clinical testing. Allele origin: germline.
Comment: Not observed at significant frequency in large population cohorts (gnomAD); In silico analysis suggests that this missense variant does not alter protein structure/function; Has not been previously published as pathogenic or benign to our knowledge